The following is an entry in ClinVar:

NM_000218.3(KCNQ1):c.1882G>A (p.Gly628Ser)

Genes: KCNQ1 (potassium voltage-gated channel subfamily Q member 1; plus strand), KCNQ1-AS1 (KCNQ1 antisense RNA 1; minus strand). Cytogenetic location: 11p15.4.
Variant type: single nucleotide variant.
Coding change: c.1882G>A on transcript NM_000218.3 (MANE Select); coding-DNA position 1882, G replaced by A.
Protein change: p.Gly628Ser; replaces glycine 628 with serine.
Molecular consequence: missense variant.
Genome position (GRCh38, 1-based): chr11:2,847,854, G>A. VCF-style: chr11-2847854-G-A. GRCh37 (hg19) VCF-style: chr11-2869084-G-A.
Other names: c.1786G>A, p.Gly596Ser (NM_001406836.1); c.1612G>A, p.Gly538Ser (NM_001406837.1); c.1342G>A, p.Gly448Ser (NM_001406838.1); c.394G>A, p.Gly132Ser (NM_001406839.1); c.1501G>A, p.Gly501Ser (NM_181798.2); short protein forms G501S, G628S, G538S, G448S, G132S, G596S.
Identifiers: ClinVar variation 979114 (VCV000979114.15), dbSNP rs745990205, ClinGen allele CA033512.
Genomic context (GRCh38, chr11:2,847,854, plus strand): 5'-CTCATCACCGACATGCTTCACCAGCTGCTCTCCTTGCACGGTGGCAGCACCCCCGGCAGC[G>A]GCGGCCCCCCCAGAGAGGGCGGGGCCCACATCACCCAGCCCTGCGGCAGTGGCGGCTCCG-3'
Protein context (NP_000209.2, residues 618-638): SLHGGSTPGS[Gly628Ser]GPPREGGAHI

ClinVar aggregate classification (germline): Uncertain significance. Review status: criteria provided, multiple submitters, no conflicts (2 of 4 stars). 8 submissions from 8 submitters: Uncertain significance (8). Last evaluated 2025-01-13.

Conditions:
Cardiovascular phenotype. Identifiers: MedGen CN230736.
Cardiac arrhythmia. Also called: Arrhythmia; Cardiac rhythm disease. Identifiers: MedGen C0003811, MONDO:0007263, HP:0011675.
Long QT syndrome 1 (LQT1). Identifiers: Orphanet 101016, Orphanet 768, MedGen C4551647, MONDO:0100316, OMIM 192500, MONDO:0008646.
Long QT syndrome (LQTS). Identifiers: MedGen C0023976, MeSH D008133, MONDO:0002442. Disease mechanism: loss of function. Inheritance: Various modes of inheritance.
Jervell and Lange-Nielsen syndrome 1 (JLNS1). Also called: PROLONGED QT INTERVAL IN EKG AND SUDDEN DEATH; SURDO-CARDIAC SYNDROME; CARDIOAUDITORY SYNDROME OF JERVELL AND LANGE-NIELSEN; DEAFNESS, CONGENITAL, AND FUNCTIONAL HEART DISEASE. Identifiers: Orphanet 768, Orphanet 90647, MedGen C4551509, MONDO:0024540, OMIM 220400.

Allele frequency attached by ClinVar (database versions not stated): gnomAD 0.00002; gnomAD exomes 0.00003; ExAC 0.00004.
gnomAD v4.1: 43 of 1,573,578 alleles (0.0027%); highest among the groups gnomAD compares: African/African-American, 0.004%; no homozygotes.

Submissions (8):

Ambry Genetics
Classification: Uncertain significance for Cardiovascular phenotype. Last evaluated: 2025-01-13. Review status: criteria provided, single submitter. Criteria: Ambry Variant Classification Scheme 2023. Collection method: clinical testing. Allele origin: germline.
Comment: The p.G628S variant (also known as c.1882G>A), located in coding exon 16 of the KCNQ1 gene, results from a G to A substitution at nucleotide position 1882. The glycine at codon 628 is replaced by serine, an amino acid with similar properties. This amino acid position is well conserved in available vertebrate species. In addition, the in silico prediction for this alteration is inconclusive. Since supporting evidence is limited at this time, the clinical significance of this alteration remains unclear.

Color Diagnostics, LLC DBA Color Health
Classification: Uncertain significance for Cardiac arrhythmia. Last evaluated: 2024-10-21. Review status: criteria provided, single submitter. Criteria: ACMG Guidelines, 2015. Collection method: clinical testing. Allele origin: germline.
Comment: This missense variant replaces glycine with serine at codon 628 of the KCNQ1 protein. Computational prediction is inconclusive regarding the impact of this variant on protein structure and function. To our knowledge, functional studies have not been reported for this variant. This variant has not been reported in individuals affected with KCNQ1-related disorders in the literature. This variant has been identified in 7/215058 chromosomes in the general population by the Genome Aggregation Database (gnomAD). The available evidence is insufficient to determine the role of this variant in disease conclusively. Therefore, this variant is classified as a Variant of Uncertain Significance.

Labcorp Genetics (formerly Invitae), Labcorp
Classification: Uncertain significance for Long QT syndrome. Last evaluated: 2024-10-10. Review status: criteria provided, single submitter. Criteria: Invitae Variant Classification Sherloc (09022015). Collection method: clinical testing. Allele origin: germline.
Comment: This sequence change replaces glycine, which is neutral and non-polar, with serine, which is neutral and polar, at codon 628 of the KCNQ1 protein (p.Gly628Ser). The frequency data for this variant in the population databases is considered unreliable, as metrics indicate poor data quality at this position in the gnomAD database. This variant has not been reported in the literature in individuals affected with KCNQ1-related conditions. ClinVar contains an entry for this variant (Variation ID: 979114). Invitae Evidence Modeling of protein sequence and biophysical properties (such as structural, functional, and spatial information, amino acid conservation, physicochemical variation, residue mobility, and thermodynamic stability) indicates that this missense variant is not expected to disrupt KCNQ1 protein function with a negative predictive value of 95%. In summary, the available evidence is currently insufficient to determine the role of this variant in disease. Therefore, it has been classified as a Variant of Uncertain Significance.

Women's Health and Genetics/Laboratory Corporation of America, LabCorp
Classification: Uncertain significance. Last evaluated: 2024-07-01. Review status: criteria provided, single submitter. Criteria: LabCorp Variant Classification Summary - May 2015. Collection method: clinical testing. Allele origin: germline.
Comment: Variant summary: KCNQ1 c.1882G>A (p.Gly628Ser) results in a non-conservative amino acid change in the encoded protein sequence. Three of five in-silico tools predict a benign effect of the variant on protein function. The variant allele was found at a frequency of 2.7e-05 in 183720 control chromosomes, predominantly at a frequency of 8.1e-05 within the South Asian subpopulation in the gnomAD database. The available data on variant occurrences in the general population are insufficient to allow any conclusion about variant significance. c.1882G>A has been reported in the literature, arising de novo in one fetus affected with Arrhythmia (Zider_2022). These data do not allow any conclusion about variant significance. To our knowledge, no experimental evidence demonstrating an impact on protein function has been reported. The following publication has been ascertained in the context of this evaluation (PMID: 36310718). ClinVar contains an entry for this variant (Variation ID: 979114). Based on the evidence outlined above, the variant was classified as VUS-possibly pathogenic.

All of Us Research Program, National Institutes of Health
Classification: Uncertain significance for Long QT syndrome. Last evaluated: 2024-01-11. Review status: criteria provided, single submitter. Criteria: ACMG Guidelines, 2015. Collection method: clinical testing. Allele origin: germline. Inheritance: Autosomal dominant inheritance. Observed: 3 variant alleles, 3 heterozygotes.
Comment: This missense variant replaces glycine with serine at codon 628 of the KCNQ1 protein. Computational prediction is inconclusive regarding the impact of this variant on protein structure and function (internally defined REVEL score threshold 0.5 < inconclusive < 0.7, PMID: 27666373). To our knowledge, functional studies have not been reported for this variant. This variant has not been reported in individuals affected with cardiovascular disorders in the literature. This variant has been identified in 7/215058 chromosomes in the general population by the Genome Aggregation Database (gnomAD). The available evidence is insufficient to determine the role of this variant in disease conclusively. Therefore, this variant is classified as a Variant of Uncertain Significance.

This study involves interpretation of variants in research participants for the purpose of population health screening. Participant phenotype was not available at the time of variant classification. Additional details can be found in publication PMID: 35346344, PMCID: PMC8962531

Institute of Human Genetics, University of Goettingen
Classification: Uncertain significance for Long QT syndrome 1. Last evaluated: 2023-02-16. Review status: criteria provided, single submitter. Criteria: ACMG Guidelines, 2015. Collection method: clinical testing. Allele origin: unknown. Inheritance: Sporadic. Affected: yes.

Breakthrough Genomics
Classification: Uncertain significance. Review status: criteria provided, single submitter. Criteria: ACMG Guidelines, 2015. Collection method: not provided. Allele origin: germline. Inheritance: Autosomal recessive inheritance. Affected: yes.

Human Genome Sequencing Center Clinical Lab, Baylor College of Medicine
Classification: Uncertain significance for Long QT syndrome 1; Jervell and Lange-Nielsen syndrome 1. Review status: criteria provided, single submitter. Criteria: ACMG Guidelines, 2015. Collection method: clinical testing. Allele origin: germline.

Literature cited by the submitters: PubMed 36310718 (cited by Women's Health and Genetics/Laboratory Corporation of America, LabCorp).